The following is an entry in ClinVar:

ClinVar aggregate classification (germline): Uncertain significance (1 of 4 stars; one submission).

Allele frequency attached by ClinVar (database versions not stated): gnomAD exomes 0.00001; gnomAD 0.00009; TOPMed 0.00009.
gnomAD v4.1: 20 of 1,551,886 alleles (0.0013%); highest among the groups gnomAD compares: African/African-American, 0.027%; no homozygotes.

Submission:

Labcorp Genetics (formerly Invitae), Labcorp
Classification: Uncertain significance. Last evaluated: 2025-08-04. Review status: criteria provided, single submitter. Criteria: Invitae Variant Classification Sherloc (09022015). Collection method: clinical testing. Allele origin: germline.
Comment: This sequence change replaces cysteine, which is neutral and slightly polar, with serine, which is neutral and polar, at codon 156 of the CLIC5 protein (p.Cys156Ser). This variant is present in population databases (no rsID available, gnomAD 0.03%). This variant has not been reported in the literature in individuals affected with CLIC5-related conditions. ClinVar contains an entry for this variant (Variation ID: 2718556). An algorithm developed to predict the effect of missense changes on protein structure and function (PolyPhen-2) suggests that this variant is likely to be tolerated. In summary, the available evidence is currently insufficient to determine the role of this variant in disease. Therefore, it has been classified as a Variant of Uncertain Significance.

NC_000006.12:g.46079776C>G

Gene: CLIC5 (CLIC family member 5; minus strand). Cytogenetic location: 6p21.1.
Variant type: single nucleotide variant.
Molecular consequence: missense variant (on NM_001114086.2). On other transcripts: intron variant (1).
Genome position: GRCh38 VCF-style: chr6-46079776-C-G. GRCh37 (hg19) VCF-style: chr6-46047513-C-G.
Other names: c.467G>C, p.Cys156Ser (NM_001114086.2, NM_001370650.1); c.-55+49728G>C (NM_001370649.1); short protein forms C156S.
Identifiers: ClinVar variation 2718556 (VCV002718556.3), dbSNP rs937554482, ClinGen allele CA138549321.